The following is an entry in ClinVar:

ClinVar aggregate classification (germline): Uncertain significance. Review status: criteria provided, multiple submitters, no conflicts (2 of 4 stars). 4 submissions from 4 submitters: Uncertain significance (4). Last evaluated 2025-06-15.

Conditions:
Cardiovascular phenotype. Identifiers: MedGen CN230736.
Long QT syndrome (LQTS). Identifiers: MedGen C0023976, MeSH D008133, MONDO:0002442. Disease mechanism: loss of function. Inheritance: Various modes of inheritance.

Allele frequency attached by ClinVar (database versions not stated): ExAC 0.00001; gnomAD exomes 0.00002 and 0.00003; TOPMed 0.00002; ESP Exome Variant Server 0.00008; gnomAD 0.00001 and 0.00002.
gnomAD v4.1: 36 of 1,614,016 alleles (0.0022%); highest among the groups gnomAD compares: Admixed American, 0.005%; no homozygotes.

Submissions (4):

Labcorp Genetics (formerly Invitae), Labcorp
Classification: Uncertain significance for Long QT syndrome. Last evaluated: 2025-06-15. Review status: criteria provided, single submitter. Criteria: Invitae Variant Classification Sherloc (09022015). Collection method: clinical testing. Allele origin: germline.
Comment: This sequence change replaces arginine, which is basic and polar, with glutamine, which is neutral and polar, at codon 115 of the KCNJ5 protein (p.Arg115Gln). This variant is present in population databases (rs369247802, gnomAD 0.009%). This variant has not been reported in the literature in individuals affected with KCNJ5-related conditions. ClinVar contains an entry for this variant (Variation ID: 190827). Invitae Evidence Modeling of protein sequence and biophysical properties (such as structural, functional, and spatial information, amino acid conservation, physicochemical variation, residue mobility, and thermodynamic stability) indicates that this missense variant is expected to disrupt KCNJ5 protein function with a positive predictive value of 80%. In summary, the available evidence is currently insufficient to determine the role of this variant in disease. Therefore, it has been classified as a Variant of Uncertain Significance.

AiLife Diagnostics
Classification: Uncertain significance. Last evaluated: 2022-01-19. Review status: criteria provided, single submitter. Criteria: ACMG Guidelines, 2015. Collection method: clinical testing. Allele origin: germline. Affected: yes. Observed: 1 variant allele.

Ambry Genetics
Classification: Uncertain significance for Cardiovascular phenotype. Last evaluated: 2021-02-26. Review status: criteria provided, single submitter. Criteria: Ambry Variant Classification Scheme 2023. Collection method: clinical testing. Allele origin: germline.
Comment: The p.R115Q variant (also known as c.344G>A), located in coding exon 1 of the KCNJ5 gene, results from a G to A substitution at nucleotide position 344. The arginine at codon 115 is replaced by glutamine, an amino acid with highly similar properties. This amino acid position is highly conserved in available vertebrate species. In addition, this alteration is predicted to be deleterious by in silico analysis. Since supporting evidence is limited at this time, the clinical significance of this alteration remains unclear.

GeneDx
Classification: Uncertain significance. Last evaluated: 2014-06-18. Review status: criteria provided, single submitter. Criteria: GeneDx Variant Classification (06012015). Collection method: clinical testing. Allele origin: germline. Affected: yes.
Comment: p.Arg115Gln (CGG>CAG): c.344 G>A in exon 2 of the KCNJ5 gene (NM_000890.3). A variant of unknown significance has been identified in the KCNJ5 gene. The R115Q variant has not been published as a mutation, nor has it been reported as a benign polymorphism to our knowledge. The R115Q variant was not observed with any significant frequency in approximately 6,500 individuals of European and African American ancestry in the NHLBI Exome Sequencing Project, indicating it is not a common benign variant in these populations. Although the R115Q variant is a semi-conservative amino acid substitution, which may impact secondary protein structure as these residues differ in some properties, this substitution occurs at a position that is conserved across species. In silico analysis predicts this variant is probably damaging to the protein structure/function. However, no missense mutations in nearby residues have been reported in association with arrhythmia, indicating that this region of the protein may be tolerant of change. Therefore, based on the currently available information, it is unclear whether this variant is a pathogenic mutation or a rare benign variant. The variant is found in ARRHYTHMIA panel(s).

NM_000890.5(KCNJ5):c.344G>A (p.Arg115Gln)

Gene: KCNJ5 (potassium inwardly rectifying channel subfamily J member 5; plus strand). Cytogenetic location: 11q24.3.
Variant type: single nucleotide variant.
Coding change: c.344G>A on transcript NM_000890.5 (MANE Select); coding-DNA position 344, G replaced by A.
Protein change: p.Arg115Gln; replaces arginine 115 with glutamine.
Molecular consequence: missense variant.
Genome position (GRCh38, 1-based): chr11:128,911,617, G>A. VCF-style: chr11-128911617-G-A. GRCh37 (hg19) VCF-style: chr11-128781512-G-A.
Other names: p.R115Q:CGG>CAG; c.344G>A (LRG_333t1); c.344G>A, p.Arg115Gln (NM_001354169.2); short protein forms R115Q.
Identifiers: ClinVar variation 190827 (VCV000190827.9), dbSNP rs369247802, ClinGen allele CA302091.